The following is an entry in ClinVar:

ClinVar aggregate classification (germline): Uncertain significance (1 of 4 stars; one submission).

Conditions:
Epileptic encephalopathy. Identifiers: MedGen C0543888, HP:0200134.

Allele frequency attached by ClinVar (database versions not stated): gnomAD exomes below 0.00001 and 0.00001; ExAC 0.00001.
gnomAD v4.1: 5 of 1,612,158 alleles (0.00031%); highest among the groups gnomAD compares: African/African-American, 0.0013%; no homozygotes.

Submission:

Labcorp Genetics (formerly Invitae), Labcorp
Classification: Uncertain significance for Epileptic encephalopathy. Last evaluated: 2020-11-06. Review status: criteria provided, single submitter. Criteria: Invitae Variant Classification Sherloc (09022015). Collection method: clinical testing. Allele origin: germline.
Comment: In summary, the available evidence is currently insufficient to determine the role of this variant in disease. Therefore, it has been classified as a Variant of Uncertain Significance. Algorithms developed to predict the effect of missense changes on protein structure and function (SIFT, PolyPhen-2, Align-GVGD) all suggest that this variant is likely to be tolerated, but these predictions have not been confirmed by published functional studies and their clinical significance is uncertain. This variant has not been reported in the literature in individuals with FASN-related conditions. This variant is present in population databases (rs761078198, ExAC 0.002%). This sequence change replaces lysine with arginine at codon 1871 of the FASN protein (p.Lys1871Arg). The lysine residue is weakly conserved and there is a small physicochemical difference between lysine and arginine.

NM_004104.5(FASN):c.5612A>G (p.Lys1871Arg)

Gene: FASN (fatty acid synthase; minus strand). Cytogenetic location: 17q25.3.
Variant type: single nucleotide variant.
Coding change: c.5612A>G on transcript NM_004104.5 (MANE Select); coding-DNA position 5612, A replaced by G.
Protein change: p.Lys1871Arg; replaces lysine 1871 with arginine.
Molecular consequence: missense variant.
Genome position (GRCh38, 1-based): chr17:82,083,069, T>C on the plus strand (A>G on the coding strand, the complement: FASN is on the minus strand). VCF-style: chr17-82083069-T-C. GRCh37 (hg19) VCF-style: chr17-80040945-T-C.
Other names: short protein forms K1871R.
Identifiers: ClinVar variation 1421388 (VCV001421388.8), dbSNP rs761078198, ClinGen allele CA8851618.